The following is an entry in ClinVar:

NM_144573.4(NEXN):c.1706C>T (p.Ser569Phe)

Gene: NEXN (nexilin F-actin binding protein; plus strand). Cytogenetic location: 1p31.1.
Variant type: single nucleotide variant.
Coding change: c.1706C>T on transcript NM_144573.4 (MANE Select); coding-DNA position 1706, C replaced by T.
Protein change: p.Ser569Phe; replaces serine 569 with phenylalanine.
Molecular consequence: missense variant.
Genome position (GRCh38, 1-based): chr1:77,942,507, C>T. VCF-style: chr1-77942507-C-T. GRCh37 (hg19) VCF-style: chr1-78408192-C-T.
Other names: c.1514C>T, p.Ser505Phe (NM_001172309.2); short protein forms S505F, S569F.
Identifiers: ClinVar variation 3229170 (VCV003229170.1), dbSNP rs756764411, ClinGen allele CA918968.

ClinVar aggregate classification (germline): Uncertain significance (1 of 4 stars; one submission).

Conditions:
Cardiovascular phenotype. Identifiers: MedGen CN230736.

Allele frequency attached by ClinVar (database versions not stated): gnomAD exomes below 0.00001; ExAC 0.00001.

Submission:

Ambry Genetics
Classification: Uncertain significance for Cardiovascular phenotype. Last evaluated: 2023-12-29. Review status: criteria provided, single submitter. Criteria: Ambry Variant Classification Scheme 2023. Collection method: clinical testing. Allele origin: germline.
Comment: The p.S569F variant (also known as c.1706C>T), located in coding exon 12 of the NEXN gene, results from a C to T substitution at nucleotide position 1706. The serine at codon 569 is replaced by phenylalanine, an amino acid with highly dissimilar properties. This amino acid position is conserved. In addition, the in silico prediction for this alteration is inconclusive. Since supporting evidence is limited at this time, the clinical significance of this alteration remains unclear.